The following is an entry in ClinVar:

NM_000455.5(STK11):c.1073A>G (p.Asp358Gly)

Genes: STK11 (serine/threonine kinase 11; plus strand), LOC130062899 (ATAC-STARR-seq lymphoblastoid active region 13597; plus strand). Cytogenetic location: 19p13.3.
Variant type: single nucleotide variant.
Coding change: c.1073A>G on transcript NM_000455.5 (MANE Select); coding-DNA position 1073, A replaced by G.
Protein change: p.Asp358Gly; replaces aspartic acid 358 with glycine.
Molecular consequence: missense variant.
Genome position (GRCh38, 1-based): chr19:1,223,137, A>G. VCF-style: chr19-1223137-A-G. GRCh37 (hg19) VCF-style: chr19-1223136-A-G.
Other names: short protein forms D358G.
Identifiers: ClinVar variation 940369 (VCV000940369.11), dbSNP rs752781994, ClinGen allele CA045065.

ClinVar aggregate classification (germline): Uncertain significance. Review status: criteria provided, multiple submitters, no conflicts (2 of 4 stars). 2 submissions from 2 submitters: Uncertain significance (2). Last evaluated 2025-08-27.

Conditions:
Hereditary cancer-predisposing syndrome. Also called: Tumor predisposition; Hereditary neoplastic syndrome; Neoplastic Syndromes, Hereditary; Hereditary Cancer Syndrome. Identifiers: Orphanet 140162, MedGen C0027672, MeSH D009386, MONDO:0015356.
Peutz-Jeghers syndrome (PJS). Also called: POLYPOSIS, HAMARTOMATOUS INTESTINAL; POLYPS-AND-SPOTS SYNDROME; Peutz-Jeghers polyposis; Periorificial lentiginosis syndrome. Identifiers: Orphanet 2869, MedGen C0031269, MeSH D010580, MONDO:0008280, OMIM 175200.

Allele frequency attached by ClinVar (database versions not stated): gnomAD exomes below 0.00001; ExAC 0.00001.
gnomAD v4.1: 1 of 1,611,818 alleles (0.000062%); highest among the groups gnomAD compares: East Asian, 0.0022%; no homozygotes.

Submissions (2):

Labcorp Genetics (formerly Invitae), Labcorp
Classification: Uncertain significance for Peutz-Jeghers syndrome. Last evaluated: 2025-08-27. Review status: criteria provided, single submitter. Criteria: Invitae Variant Classification Sherloc (09022015). Collection method: clinical testing. Allele origin: germline.
Comment: This sequence change replaces aspartic acid, which is acidic and polar, with glycine, which is neutral and non-polar, at codon 358 of the STK11 protein (p.Asp358Gly). The frequency data for this variant in the population databases is considered unreliable, as metrics indicate poor data quality at this position in the gnomAD database. This variant has not been reported in the literature in individuals affected with STK11-related conditions. ClinVar contains an entry for this variant (Variation ID: 940369). Invitae Evidence Modeling of protein sequence and biophysical properties (such as structural, functional, and spatial information, amino acid conservation, physicochemical variation, residue mobility, and thermodynamic stability) has been performed for this missense variant. However, the output from this modeling did not meet the statistical confidence thresholds required to predict the impact of this variant on STK11 protein function. In summary, the available evidence is currently insufficient to determine the role of this variant in disease. Therefore, it has been classified as a Variant of Uncertain Significance.

Ambry Genetics
Classification: Uncertain significance for Hereditary cancer-predisposing syndrome. Last evaluated: 2024-07-24. Review status: criteria provided, single submitter. Criteria: Ambry Variant Classification Scheme 2023. Collection method: clinical testing. Allele origin: germline.
Comment: The p.D358G variant (also known as c.1073A>G), located in coding exon 8 of the STK11 gene, results from an A to G substitution at nucleotide position 1073. The aspartic acid at codon 358 is replaced by glycine, an amino acid with similar properties. This amino acid position is highly conserved in available vertebrate species. In addition, the in silico prediction for this alteration is inconclusive. Based on the available evidence, the clinical significance of this variant remains unclear.